The following is an entry in ClinVar:

NM_024301.5(FKRP):c.897dup (p.Val300fs)

Gene: FKRP (fukutin related protein; plus strand). Cytogenetic location: 19q13.32.
Variant type: Duplication.
Coding change: c.897dup on transcript NM_024301.5 (MANE Select); coding-DNA position 897, one base duplicated (C; older notation c.897dupC).
Protein change: p.Val300fs; shifts the reading frame from valine 300.
Molecular consequence: frameshift variant.
Genome position (GRCh38, 1-based): chr19:46,756,347, C duplicated; the last of 2 consecutive C bases (chr19:46,756,346-46,756,347); duplicating either gives the same sequence. VCF-style (leftmost placement, unchanged base first): chr19-46756345-A-AC. GRCh37 (hg19) VCF-style: chr19-47259602-A-AC.
Other names: c.897dup, p.Val300fs (NM_001039885.3); short protein forms V300fs.
Identifiers: ClinVar variation 2023163 (VCV002023163.4), dbSNP rs2513993849, ClinGen allele CA2580097442.
Genomic context (GRCh38, chr19:46,756,345, plus strand): 5'-TGGGAAGGCGGGCGGCTGGAGTGGTTCGGCTGCAACAAGGAGACCACGCGCTGCTTCGGA[A>AC]CCGTGGTGGGCGACACGCCCGCCTACCTCTACGAGGAGCGCTGGACGCCCCCCTGCTGCC-3'

ClinVar aggregate classification (germline): Pathogenic (1 of 4 stars; one submission).

Conditions:
Walker-Warburg congenital muscular dystrophy. Also called: Muscular dystrophy-dystroglycanopathy, type A; Walker-Warburg syndrome. Identifiers: Orphanet 899, MedGen C0265221, MONDO:0000171.

Submission:

Labcorp Genetics (formerly Invitae), Labcorp
Classification: Pathogenic for Walker-Warburg congenital muscular dystrophy. Last evaluated: 2022-08-09. Review status: criteria provided, single submitter. Criteria: Invitae Variant Classification Sherloc (09022015). Collection method: clinical testing. Allele origin: germline.
Comment: For these reasons, this variant has been classified as Pathogenic. This variant disrupts a region of the FKRP protein in which other variant(s) (p.Ile478Thr) have been determined to be pathogenic (PMID: 16476814, 18639457, 19299310). This suggests that this is a clinically significant region of the protein, and that variants that disrupt it are likely to be disease-causing. This variant has not been reported in the literature in individuals affected with FKRP-related conditions. This variant is not present in population databases (gnomAD no frequency). This sequence change creates a premature translational stop signal (p.Val300Argfs*90) in the FKRP gene. While this is not anticipated to result in nonsense mediated decay, it is expected to disrupt the last 196 amino acid(s) of the FKRP protein.

Literature cited by the submitters: PubMed 16476814; PubMed 18639457; PubMed 19299310.